The following is an entry in ClinVar:

ClinVar aggregate classification (germline): Conflicting classifications of pathogenicity. Review status: criteria provided, conflicting classifications (1 of 4 stars). 2 submissions from 2 submitters: Uncertain significance (1); Likely benign (1). Last evaluated 2024-10-15.

Conditions:
Alstrom syndrome (ALMS). Identifiers: Orphanet 64, MedGen C0268425, MONDO:0008763, OMIM 203800.

Allele frequency attached by ClinVar (database versions not stated): gnomAD exomes below 0.00001.
gnomAD v4.1: 5 of 1,614,068 alleles (0.00031%); highest among the groups gnomAD compares: Non-Finnish European, 0.00042%; no homozygotes.

Submissions (2):

Blueprint Genetics
Classification: Likely benign. Last evaluated: 2024-10-15. Review status: criteria provided, single submitter. Criteria: ACMG Guidelines, 2015. Collection method: clinical testing. Allele origin: germline.

Labcorp Genetics (formerly Invitae), Labcorp
Classification: Uncertain significance for Alstrom syndrome. Last evaluated: 2023-09-21. Review status: criteria provided, single submitter. Criteria: Invitae Variant Classification Sherloc (09022015). Collection method: clinical testing. Allele origin: germline.
Comment: This variant has not been reported in the literature in individuals affected with ALMS1-related conditions. In summary, the available evidence is currently insufficient to determine the role of this variant in disease. Therefore, it has been classified as a Variant of Uncertain Significance. Experimental studies and prediction algorithms are not available or were not evaluated, and the functional significance of this variant is currently unknown. This variant is not present in population databases (gnomAD no frequency). This sequence change replaces arginine, which is basic and polar, with glycine, which is neutral and non-polar, at codon 2231 of the ALMS1 protein (p.Arg2231Gly).

NM_001378454.1(ALMS1):c.6688A>G (p.Arg2230Gly)

Gene: ALMS1 (ALMS1 centrosome and basal body associated protein; plus strand). Cytogenetic location: 2p13.1.
Variant type: single nucleotide variant.
Coding change: c.6688A>G on transcript NM_001378454.1 (MANE Select); coding-DNA position 6688, A replaced by G.
Protein change: p.Arg2230Gly; replaces arginine 2230 with glycine.
Molecular consequence: missense variant.
Genome position (GRCh38, 1-based): chr2:73,453,215, A>G. VCF-style: chr2-73453215-A-G. GRCh37 (hg19) VCF-style: chr2-73680342-A-G.
Other names: c.6691A>G, p.Arg2231Gly (NM_015120.4); short protein forms R2230G, R2231G.
Identifiers: ClinVar variation 2919244 (VCV002919244.4), dbSNP rs2466109941, ClinGen allele CA347289032.